The following is an entry in ClinVar:

NM_004826.4(ECEL1):c.1163T>G (p.Leu388Arg)

Gene: ECEL1 (endothelin converting enzyme like 1; minus strand). Cytogenetic location: 2q37.1.
Variant type: single nucleotide variant.
Coding change: c.1163T>G on transcript NM_004826.4 (MANE Select); coding-DNA position 1163, T replaced by G.
Protein change: p.Leu388Arg; replaces leucine 388 with arginine.
Molecular consequence: missense variant.
Genome position (GRCh38, 1-based): chr2:232,484,493, A>C on the plus strand (T>G on the coding strand, the complement: ECEL1 is on the minus strand). VCF-style: chr2-232484493-A-C. GRCh37 (hg19) VCF-style: chr2-233349203-A-C.
Other names: c.1163T>G, p.Leu388Arg (NM_001290787.2); short protein forms L388R.
Identifiers: ClinVar variation 2577780 (VCV002577780.1), dbSNP rs371320984, ClinGen allele CA2167388.

ClinVar aggregate classification (germline): Uncertain significance (1 of 4 stars; one submission).

Allele frequency attached by ClinVar (database versions not stated): ExAC 0.00001; gnomAD 0.00001; gnomAD exomes 0.00003; ESP Exome Variant Server 0.00008.
gnomAD v4.1: 42 of 1,613,756 alleles (0.0026%); highest among the groups gnomAD compares: Non-Finnish European, 0.0035%; no homozygotes.

Submission:

GeneDx
Classification: Uncertain significance. Last evaluated: 2023-02-23. Review status: criteria provided, single submitter. Criteria: GeneDx Variant Classification Process June 2021. Collection method: clinical testing. Allele origin: germline. Affected: yes.
Comment: Not observed at significant frequency in large population cohorts (gnomAD); In silico analysis supports that this missense variant has a deleterious effect on protein structure/function; Has not been previously published as pathogenic or benign to our knowledge; This variant is associated with the following publications: (PMID: 29663639)